The following is an entry in ClinVar:

NM_001130965.3(SUN1):c.622G>A (p.Val208Met)

Gene: SUN1 (Sad1 and UNC84 domain containing 1; plus strand). Cytogenetic location: 7p22.3.
Variant type: single nucleotide variant.
Coding change: c.622G>A on transcript NM_001130965.3 (MANE Select); coding-DNA position 622, G replaced by A.
Protein change: p.Val208Met; replaces valine 208 with methionine.
Molecular consequence: missense variant. On other transcripts: synonymous variant (1), 5 prime UTR variant (1), non-coding transcript variant (3), intron variant (1).
Genome position (GRCh38, 1-based): chr7:843,484, G>A. VCF-style: chr7-843484-G-A. GRCh37 (hg19) VCF-style: chr7-883121-G-A.
Other names: c.685G>A, p.Val229Met (NM_001171945.2); c.622G>A, p.Val208Met (NM_001171946.2, NM_001367633.1, NM_001367634.1 and 32 more transcripts); c.165G>A, p.Pro55= (NM_001367635.1); c.472G>A, p.Val158Met (NM_001367636.1, NM_001367644.1, NM_001367645.1 and 23 more transcripts); c.55G>A, p.Val19Met (NM_001367639.1, NM_001367708.1); c.841G>A, p.Val281Met (NM_001367651.1); c.-140G>A (NM_001367658.1); c.649G>A, p.Val217Met (NM_001367669.1); and 2 more; short protein forms V19M, V208M, V229M, V158M, V217M, V281M, V145M.
Identifiers: ClinVar variation 952416 (VCV000952416.8), dbSNP rs539058781, ClinGen allele CA4111621.

ClinVar aggregate classification (germline): Uncertain significance. Review status: criteria provided, multiple submitters, no conflicts (2 of 4 stars). 2 submissions from 2 submitters: Uncertain significance (2). Last evaluated 2025-12-16.

Conditions:
Emery-Dreifuss muscular dystrophy (EDMD). Also called: Scapuloperoneal syndrome, X-linked (formerly); Humeroperoneal neuromuscular disease, (formerly). Identifiers: Orphanet 261, MedGen C0410189, MONDO:0016830.

Allele frequency attached by ClinVar (database versions not stated): gnomAD 0.00005 and 0.00006; TOPMed 0.00006; ExAC 0.00008; gnomAD exomes 0.00008.
gnomAD v4.1: 100 of 1,613,970 alleles (0.0062%); highest among the groups gnomAD compares: South Asian, 0.0077%; no homozygotes.

Submissions (2):

Labcorp Genetics (formerly Invitae), Labcorp
Classification: Uncertain significance for Emery-Dreifuss muscular dystrophy. Last evaluated: 2025-12-16. Review status: criteria provided, single submitter. Criteria: Invitae Variant Classification Sherloc (09022015). Collection method: clinical testing. Allele origin: germline.
Comment: This sequence change replaces valine, which is neutral and non-polar, with methionine, which is neutral and non-polar, at codon 208 of the SUN1 protein (p.Val208Met). This variant is present in population databases (rs539058781, gnomAD 0.01%). This variant has not been reported in the literature in individuals affected with SUN1-related conditions. ClinVar contains an entry for this variant (Variation ID: 952416). An algorithm developed to predict the effect of missense changes on protein structure and function (PolyPhen-2) suggests that this variant is likely to be tolerated. In summary, the available evidence is currently insufficient to determine the role of this variant in disease. Therefore, it has been classified as a Variant of Uncertain Significance.

Ambry Genetics
Classification: Uncertain significance. Last evaluated: 2024-10-07. Review status: criteria provided, single submitter. Criteria: Ambry Variant Classification Scheme 2023. Collection method: clinical testing. Allele origin: germline.